The following is an entry in ClinVar:

NM_020549.5(CHAT):c.1155C>G (p.Ile385Met)

Gene: CHAT (choline O-acetyltransferase; plus strand). Cytogenetic location: 10q11.23.
Variant type: single nucleotide variant.
Coding change: c.1155C>G on transcript NM_020549.5 (MANE Select); coding-DNA position 1155, C replaced by G.
Protein change: p.Ile385Met; replaces isoleucine 385 with methionine.
Molecular consequence: missense variant.
Genome position (GRCh38, 1-based): chr10:49,646,548, C>G. VCF-style: chr10-49646548-C-G. GRCh37 (hg19) VCF-style: chr10-50854594-C-G.
Other names: c.801C>G, p.Ile267Met (NM_001142929.2, NM_001142934.2, NM_020984.4 and 2 more transcripts); c.909C>G, p.Ile303Met (NM_001142933.2); short protein forms I267M, I303M, I385M.
Identifiers: ClinVar variation 1464271 (VCV001464271.6), dbSNP rs1209379806, ClinGen allele CA376739746.

ClinVar aggregate classification (germline): Uncertain significance (1 of 4 stars; one submission).

Conditions:
Familial infantile myasthenia (CMS6). Also called: MYASTHENIC SYNDROME, CONGENITAL, 6, PRESYNAPTIC; Congenital myasthenic syndrome type 6; MYASTHENIC SYNDROME, PRESYNAPTIC, CONGENITAL, ASSOCIATED WITH EPISODIC APNEA. Identifiers: Orphanet 590, MedGen C0393929, MONDO:0009689, OMIM 254210.

Allele frequency attached by ClinVar (database versions not stated): gnomAD exomes below 0.00001; TOPMed 0.00001.
gnomAD v4.1: 7 of 1,614,248 alleles (0.00043%); highest among the groups gnomAD compares: Non-Finnish European, 0.00059%; no homozygotes.

Submission:

Labcorp Genetics (formerly Invitae), Labcorp
Classification: Uncertain significance for Familial infantile myasthenia. Last evaluated: 2021-08-11. Review status: criteria provided, single submitter. Criteria: Invitae Variant Classification Sherloc (09022015). Collection method: clinical testing. Allele origin: germline.
Comment: This sequence change replaces isoleucine with methionine at codon 385 of the CHAT protein (p.Ile385Met). The isoleucine residue is moderately conserved and there is a small physicochemical difference between isoleucine and methionine. This variant is not present in population databases (ExAC no frequency). This variant has not been reported in the literature in individuals affected with CHAT-related conditions. Advanced modeling of protein sequence and biophysical properties (such as structural, functional, and spatial information, amino acid conservation, physicochemical variation, residue mobility, and thermodynamic stability) performed at Invitae indicates that this missense variant is not expected to disrupt CHAT protein function. Algorithms developed to predict the effect of sequence changes on RNA splicing suggest that this variant may create or strengthen a splice site. In summary, the available evidence is currently insufficient to determine the role of this variant in disease. Therefore, it has been classified as a Variant of Uncertain Significance.